The following is an entry in ClinVar:

ClinVar aggregate classification (germline): Likely benign (0 of 4 stars; one submission).

Conditions:
BBS7-related disorder. Also called: BBS7-related condition.

gnomAD v4.1: 2 of 1,614,158 alleles (0.00012%); highest among the groups gnomAD compares: Non-Finnish European, 0.00017%; no homozygotes.

Submission:

PreventionGenetics, part of Exact Sciences
Classification: Likely benign for BBS7-related condition. Last evaluated: 2022-04-01. Review status: no assertion criteria provided. Collection method: clinical testing. Allele origin: germline.
Comment: This variant is classified as likely benign based on ACMG/AMP sequence variant interpretation guidelines (Richards et al. 2015 PMID: 25741868, with internal and published modifications).

NM_176824.3(BBS7):c.-9G>A

Genes: BBS7 (Bardet-Biedl syndrome 7; minus strand), LOC129993036 (ATAC-STARR-seq lymphoblastoid active region 21872; plus strand). Cytogenetic location: 4q27.
Variant type: single nucleotide variant.
Coding change: c.-9G>A on transcript NM_176824.3 (MANE Select); 9 bases upstream of the start codon, G replaced by A.
Molecular consequence: 5 prime UTR variant.
Genome position (GRCh38, 1-based): chr4:121,870,322, C>T on the plus strand (G>A on the coding strand, the complement: BBS7 is on the minus strand). VCF-style: chr4-121870322-C-T. GRCh37 (hg19) VCF-style: chr4-122791477-C-T.
Other names: c.-9G>A (NM_018190.4).
Identifiers: ClinVar variation 3355000 (VCV003355000.1).